The following is an entry in ClinVar:

NM_003560.4(PLA2G6):c.2030G>A (p.Arg677His)

Gene: PLA2G6 (phospholipase A2 group VI; minus strand). Cytogenetic location: 22q13.1.
Variant type: single nucleotide variant.
Coding change: c.2030G>A on transcript NM_003560.4 (MANE Select); coding-DNA position 2030, G replaced by A.
Protein change: p.Arg677His; replaces arginine 677 with histidine.
Molecular consequence: missense variant.
Genome position (GRCh38, 1-based): chr22:38,115,531, C>T on the plus strand (G>A on the coding strand, the complement: PLA2G6 is on the minus strand). VCF-style: chr22-38115531-C-T. GRCh37 (hg19) VCF-style: chr22-38511538-C-T.
Other names: c.2030G>A, p.Arg677His (NM_001349864.2); c.1868G>A, p.Arg623His (NM_001349865.2, NM_001349866.2, NM_001004426.3 and 1 more transcripts); c.1496G>A, p.Arg499His (NM_001349867.2); c.1352G>A, p.Arg451His (NM_001349868.2); c.1334G>A, p.Arg445His (NM_001349869.2); short protein forms R451H, R677H, R445H, R499H, R623H.
Identifiers: ClinVar variation 1371071 (VCV001371071.6), dbSNP rs369038599, ClinGen allele CA10230652.

ClinVar aggregate classification (germline): Uncertain significance (1 of 4 stars; one submission).

Conditions:
Infantile neuroaxonal dystrophy (NBIA2A). Also called: NEURODEGENERATION WITH BRAIN IRON ACCUMULATION 2A; SEITELBERGER DISEASE; Infantile neuroaxonal dystrophy 1. Identifiers: Orphanet 35069, MedGen C0270724, MONDO:0024457, OMIM 256600.

Allele frequency attached by ClinVar (database versions not stated): TOPMed below 0.00001.
gnomAD v4.1: 17 of 1,612,816 alleles (0.0011%); highest among the groups gnomAD compares: East Asian, 0.0022%; no homozygotes.

Submission:

Labcorp Genetics (formerly Invitae), Labcorp
Classification: Uncertain significance for Infantile neuroaxonal dystrophy. Last evaluated: 2024-10-16. Review status: criteria provided, single submitter. Criteria: Invitae Variant Classification Sherloc (09022015). Collection method: clinical testing. Allele origin: germline.
Comment: This sequence change replaces arginine, which is basic and polar, with histidine, which is basic and polar, at codon 677 of the PLA2G6 protein (p.Arg677His). This variant is present in population databases (rs369038599, gnomAD 0.003%). This missense change has been observed in individual(s) with neuroaxonal dystrophy (PMID: 27196560). ClinVar contains an entry for this variant (Variation ID: 1371071). Invitae Evidence Modeling of protein sequence and biophysical properties (such as structural, functional, and spatial information, amino acid conservation, physicochemical variation, residue mobility, and thermodynamic stability) indicates that this missense variant is not expected to disrupt PLA2G6 protein function with a negative predictive value of 80%. In summary, the available evidence is currently insufficient to determine the role of this variant in disease. Therefore, it has been classified as a Variant of Uncertain Significance.

Literature cited by the submitters: PubMed 27196560.